The following is an entry in ClinVar:

NM_004360.5(CDH1):c.532-9dup

Gene: CDH1 (cadherin 1; plus strand). Cytogenetic location: 16q22.1.
Variant type: Duplication.
Coding change: c.532-9dup on transcript NM_004360.5 (MANE Select); 9 bases into the intron before coding-DNA position 532, one base duplicated (T; older notation c.532-9dupT).
Molecular consequence: intron variant.
Genome position (GRCh38, 1-based): chr16:68,808,684, T duplicated; the last of 4 consecutive T bases (chr16:68,808,681-68,808,684); duplicating any one gives the same sequence. VCF-style (leftmost placement, unchanged base first): chr16-68808680-A-AT. GRCh37 (hg19) VCF-style: chr16-68842583-A-AT.
Other names: c.532-9dup (LRG_301t1, NM_001317184.2); c.532-9dupT (NM_004360.3); c.-1084-9dup (NM_001317185.2); c.-1288-9dup (NM_001317186.2).
Identifiers: ClinVar variation 422839 (VCV000422839.3), dbSNP rs1555515243, ClinGen allele CA16620237.

ClinVar aggregate classification (germline): Benign/Likely benign. Review status: criteria provided, multiple submitters, no conflicts (2 of 4 stars). 3 submissions from 3 submitters: Benign (1); Likely benign (2). Last evaluated 2025-10-29.

Conditions:
Hereditary diffuse gastric adenocarcinoma (HDGC). Also called: DIFFUSE GASTRIC AND LOBULAR BREAST CANCER SYNDROME. Identifiers: Orphanet 26106, MedGen C1708349, MONDO:0007648, OMIM 137215.

Submissions (3):

Labcorp Genetics (formerly Invitae), Labcorp
Classification: Benign for Hereditary diffuse gastric adenocarcinoma. Last evaluated: 2025-10-29. Review status: criteria provided, single submitter. Criteria: Invitae Variant Classification Sherloc (09022015). Collection method: clinical testing. Allele origin: germline.

Myriad Genetics, Inc.
Classification: Likely benign for Hereditary diffuse gastric adenocarcinoma. Last evaluated: 2024-09-13. Review status: criteria provided, single submitter. Criteria: Myriad Autosomal Dominant, Autosomal Recessive and X-Linked Classification Criteria (2023). Collection method: clinical testing. Allele origin: unknown.
Comment: This variant is considered likely benign. This variant is intronic and is not expected to impact mRNA splicing.

GeneDx
Classification: Likely benign. Last evaluated: 2016-12-06. Review status: criteria provided, single submitter. Criteria: GeneDx Variant Classification (06012015). Collection method: clinical testing. Allele origin: germline. Affected: yes.
Comment: This variant is considered likely benign or benign based on one or more of the following criteria: it is a conservative change, it occurs at a poorly conserved position in the protein, it is predicted to be benign by multiple in silico algorithms, and/or has population frequency not consistent with disease.